The following is an entry in ClinVar:

ClinVar aggregate classification (germline): Likely benign. Review status: criteria provided, multiple submitters, no conflicts (2 of 4 stars). 3 submissions from 3 submitters: Likely benign (3). Last evaluated 2025-09-01.

Conditions:
Primary ciliary dyskinesia. Also called: Ciliary dyskinesia. Identifiers: Orphanet 244, MedGen C0008780, MONDO:0016575, HP:0012265.

Allele frequency attached by ClinVar (database versions not stated): gnomAD exomes 0.00001.
gnomAD v4.1: 3 of 1,610,402 alleles (0.00019%); highest among the groups gnomAD compares: Admixed American, 0.0051%; no homozygotes.

Submissions (3):

CeGaT Center for Human Genetics Tuebingen
Classification: Likely benign. Last evaluated: 2025-09-01. Review status: criteria provided, single submitter. Criteria: CeGaT Center For Human Genetics Tuebingen Variant Classification Criteria Version 2. Collection method: clinical testing. Allele origin: germline. Affected: yes. Observed: 1 variant allele.
Comment: DNAH11: BP4, BP7

Labcorp Genetics (formerly Invitae), Labcorp
Classification: Likely benign for Primary ciliary dyskinesia. Last evaluated: 2025-02-14. Review status: criteria provided, single submitter. Criteria: Invitae Variant Classification Sherloc (09022015). Collection method: clinical testing. Allele origin: germline.

Ambry Genetics
Classification: Likely benign for Primary ciliary dyskinesia. Last evaluated: 2018-11-30. Review status: criteria provided, single submitter. Criteria: Ambry Variant Classification Scheme 2023. Collection method: clinical testing. Allele origin: germline.

NM_001277115.2(DNAH11):c.3345T>C (p.Pro1115=)

Genes: DNAH11 (dynein axonemal heavy chain 11; plus strand), LOC126859961 (BRD4-independent group 4 enhancer GRCh37_chr7:21639662-21640861; plus strand). Cytogenetic location: 7p15.3.
Variant type: single nucleotide variant.
Coding change: c.3345T>C on transcript NM_001277115.2 (MANE Select); coding-DNA position 3345, T replaced by C.
Protein change: p.Pro1115=; no amino-acid change (proline 1115 retained).
Molecular consequence: synonymous variant.
Genome position (GRCh38, 1-based): chr7:21,601,099, T>C. VCF-style: chr7-21601099-T-C. GRCh37 (hg19) VCF-style: chr7-21640717-T-C.
Other names: c.3345T>C, p.Pro1115= (NM_003777.3).
Identifiers: ClinVar variation 1730459 (VCV001730459.12), dbSNP rs1180402925, ClinGen allele CA454139420.